The following is an entry in ClinVar:

ClinVar aggregate classification (germline): Conflicting classifications of pathogenicity. Review status: criteria provided, conflicting classifications (1 of 4 stars). 7 submissions from 7 submitters: Uncertain significance (6); Likely benign (1). Last evaluated 2025-12-16.

Conditions:
Mandibular hypoplasia-deafness-progeroid syndrome. Also called: Mandibular hypoplasia, deafness, progeroid features, and lipodystrophy syndrome. Identifiers: Orphanet 363649, MedGen C3715192, MONDO:0014157, OMIM 615381.
POLD1-related polyposis and colorectal cancer syndrome (CRCS10). Also called: Colorectal cancer 10; COLORECTAL CANCER, SUSCEPTIBILITY TO, ON CHROMOSOME 19q; Colorectal cancer, susceptibility to, 10. Identifiers: Orphanet 220460, MedGen C2675481, MONDO:0012953, OMIM 612591.
Hereditary cancer-predisposing syndrome. Also called: Neoplastic Syndromes, Hereditary; Hereditary neoplastic syndrome; Tumor predisposition; Hereditary Cancer Syndrome. Identifiers: Orphanet 140162, MedGen C0027672, MeSH D009386, MONDO:0015356.

Allele frequency attached by ClinVar (database versions not stated): gnomAD exomes 0.00001 and 0.00002; ExAC 0.00002; gnomAD 0.00007 and 0.00008; TOPMed 0.00007; ESP Exome Variant Server 0.00015.

Submissions (7):

Labcorp Genetics (formerly Invitae), Labcorp
Classification: Uncertain significance for POLD1-related polyposis and colorectal cancer syndrome. Last evaluated: 2025-12-16. Review status: criteria provided, single submitter. Criteria: Invitae Variant Classification Sherloc (09022015). Collection method: clinical testing. Allele origin: germline.
Comment: This sequence change replaces arginine, which is basic and polar, with glutamine, which is neutral and polar, at codon 525 of the POLD1 protein (p.Arg525Gln). This variant is present in population databases (rs372190244, gnomAD 0.03%). This missense change has been observed in individual(s) with renal cell carcinoma (PMID: 38127826). ClinVar contains an entry for this variant (Variation ID: 469207). Invitae Evidence Modeling of protein sequence and biophysical properties (such as structural, functional, and spatial information, amino acid conservation, physicochemical variation, residue mobility, and thermodynamic stability) indicates that this missense variant is not expected to disrupt POLD1 protein function with a negative predictive value of 80%. In summary, the available evidence is currently insufficient to determine the role of this variant in disease. Therefore, it has been classified as a Variant of Uncertain Significance.

Baylor Genetics
Classification: Uncertain significance for POLD1-related polyposis and colorectal cancer syndrome. Last evaluated: 2024-03-19. Review status: criteria provided, single submitter. Criteria: ACMG Guidelines, 2015. Collection method: clinical testing. Allele origin: unknown.

Ambry Genetics
Classification: Likely benign for Hereditary cancer-predisposing syndrome. Last evaluated: 2023-12-21. Review status: criteria provided, single submitter. Criteria: Ambry Variant Classification Scheme 2023. Collection method: clinical testing. Allele origin: germline.

St. Jude Molecular Pathology, St. Jude Children's Research Hospital
Classification: Uncertain significance for POLD1-related polyposis and colorectal cancer syndrome. Last evaluated: 2023-04-20. Review status: criteria provided, single submitter. Criteria: St. Jude Assertion Criteria 2020. Collection method: clinical testing. Allele origin: germline.
Comment: The POLD1 c.1574G>A (p.Arg525Gln) missense change has a maximum subpopulation frequency of 0.024% in gnomAD v2.1.1. The in silico tool REVEL predicts a benign effect on protein function, but to our knowledge this prediction has not been confirmed by functional studies. This variant was reported in tumor(s) with ~10 mutations/Mb (PMID: 29056344). In summary, the evidence currently available is insufficient to determine the clinical significance of this variant. It has therefore been classified as of uncertain significance.

Fulgent Genetics
Classification: Uncertain significance for POLD1-related polyposis and colorectal cancer syndrome; Mandibular hypoplasia-deafness-progeroid syndrome. Last evaluated: 2021-08-31. Review status: criteria provided, single submitter. Criteria: ACMG Guidelines, 2015. Collection method: clinical testing. Allele origin: unknown.

Sema4
Classification: Uncertain significance for Hereditary cancer-predisposing syndrome. Last evaluated: 2021-07-26. Review status: criteria provided, single submitter. Criteria: Sema4 Curation Guidelines. Collection method: curation. Allele origin: germline.
Comment: To the best of our knowledge, the POLD1 c.1574G>A (p.R525Q) variant has not been reported in individuals with POLD1-related disease. was observed in 6/24910 chromosomes in the African/African American subpopulation in the large and broad cohorts of the Genome Aggregation Database (PMID: 32461654). The variant has been reported in ClinVar (Variation ID: 469207). Functional studies have not been performed and in silico tool predictions of the variants effect on protein function are inconclusive. The evidence is insufficient to meet ACMG/AMP criteria for classifying the variant as benign or pathogenic. Thus, the clinical significance of this variant is currently uncertain.

GeneDx
Classification: Uncertain significance. Last evaluated: 2021-03-29. Review status: criteria provided, single submitter. Criteria: GeneDx Variant Classification Process June 2021. Collection method: clinical testing. Allele origin: germline. Affected: yes.
Comment: In silico analysis supports that this missense variant does not alter protein structure/function; Has not been previously published as pathogenic or benign to our knowledge; This variant is associated with the following publications: (PMID: 31857678)

Literature cited by the submitters: PubMed 38127826 (cited by Labcorp Genetics (formerly Invitae), Labcorp).

NM_002691.4(POLD1):c.1574G>A (p.Arg525Gln)

Gene: POLD1 (DNA polymerase delta 1, catalytic subunit; plus strand). Cytogenetic location: 19q13.33.
Variant type: single nucleotide variant.
Coding change: c.1574G>A on transcript NM_002691.4 (MANE Select); coding-DNA position 1574, G replaced by A.
Protein change: p.Arg525Gln; replaces arginine 525 with glutamine.
Molecular consequence: missense variant. On other transcripts: non-coding transcript variant (1).
Genome position (GRCh38, 1-based): chr19:50,407,062, G>A. VCF-style: chr19-50407062-G-A. GRCh37 (hg19) VCF-style: chr19-50910319-G-A.
Other names: c.1574G>A, p.Arg525Gln (NM_001256849.1, NM_001308632.1); short protein forms R525Q.
Identifiers: ClinVar variation 469207 (VCV000469207.22), dbSNP rs372190244, ClinGen allele CA9596181.
Genomic context (GRCh38, chr19:50,407,062, plus strand): 5'-GCCGCCGCCTGGCTGTGTACTGCCTGAAGGATGCCTACCTGCCACTGCGGCTGCTGGAGC[G>A]GCTCATGGTGCTGGTGAACGCCGTGGAGATGGCGAGGGTCACTGGCGTGCCCCTCAGCTA-3'
Protein context (NP_002682.2, residues 515-535): DAYLPLRLLE[Arg525Gln]LMVLVNAVEM